The following is an entry in ClinVar:

NM_152564.5(VPS13B):c.7668C>T (p.Ser2556=)

Gene: VPS13B (vacuolar protein sorting 13 homolog B; plus strand). Cytogenetic location: 8q22.2.
Variant type: single nucleotide variant.
Coding change: c.7668C>T on transcript NM_152564.5 (MANE Select); coding-DNA position 7668, C replaced by T.
Protein change: p.Ser2556=; no amino-acid change (serine 2556 retained).
Molecular consequence: synonymous variant.
Genome position (GRCh38, 1-based): chr8:99,778,920, C>T. VCF-style: chr8-99778920-C-T. GRCh37 (hg19) VCF-style: chr8-100791148-C-T.
Other names: c.7743C>T, p.Ser2581= (NM_017890.5); c.7668C>T (NM_152564.4).
Identifiers: ClinVar variation 740538 (VCV000740538.14), dbSNP rs370903187, ClinGen allele CA4824264.
Genomic context (GRCh38, chr8:99,778,920, plus strand): 5'-TGTCACTATGCAAAGTGTGGTGAAACCCTTCAGCATCTTCGGGCAGATGGCAGTTTCCAG[C>T]GATGTAGTGGAAAAGCTGCTTGACTGCACCGTGATAGTTGATTCTGTATTTGTAAACCTT-3'
Protein context (NP_689777.3, residues 2546-2566): FSIFGQMAVS[Ser2556=]DVVEKLLDCT

ClinVar aggregate classification (germline): Likely benign. Review status: criteria provided, multiple submitters, no conflicts (2 of 4 stars). 4 submissions from 4 submitters: Likely benign (2). 2 of the submissions do not count toward it. Last evaluated 2025-12-20.

Conditions:
VPS13B-related disorder. Also called: VPS13B-related condition.
Cohen syndrome (COH1). Also called: PEPPER SYNDROME; Cutis verticis gyrata, retinitis pigmentosa, and sensorineural deafness. Identifiers: Orphanet 193, MedGen C0265223, MONDO:0008999, OMIM 216550.

Allele frequency attached by ClinVar (database versions not stated): ExAC 0.00002; gnomAD exomes 0.00002 and 0.00007; gnomAD 0.00010 and 0.00011; ESP Exome Variant Server 0.00015; TOPMed 0.00015.
gnomAD v4.1: 113 of 1,613,778 alleles (0.007%); highest among the groups gnomAD compares: African/African-American, 0.025%; no homozygotes.

Submissions (4):

Labcorp Genetics (formerly Invitae), Labcorp
Classification: Likely benign for Cohen syndrome. Last evaluated: 2025-12-20. Review status: criteria provided, single submitter. Criteria: Invitae Variant Classification Sherloc (09022015). Collection method: clinical testing. Allele origin: germline.

Blueprint Genetics
Classification: Likely benign. Last evaluated: 2024-08-29. Review status: criteria provided, single submitter. Criteria: ACMG Guidelines, 2015. Collection method: clinical testing. Allele origin: germline.

PreventionGenetics, part of Exact Sciences
Classification: Likely benign for VPS13B-related condition. Last evaluated: 2022-05-05. Review status: no assertion criteria provided. Collection method: clinical testing. Allele origin: germline. Not counted in ClinVar's aggregate classification.
Comment: This variant is classified as likely benign based on ACMG/AMP sequence variant interpretation guidelines (Richards et al. 2015 PMID: 25741868, with internal and published modifications).

Natera, Inc.
Classification: Uncertain significance for Cohen syndrome. Last evaluated: 2020-02-13. Review status: no assertion criteria provided. Collection method: clinical testing. Allele origin: germline. Not counted in ClinVar's aggregate classification.